The following is an entry in ClinVar:

ClinVar aggregate classification (germline): Pathogenic (1 of 4 stars; one submission).

Conditions:
Nemaline myopathy 5 (NEM5A). Also called: NEMALINE MYOPATHY, AMISH TYPE; NEMALINE MYOPATHY 5A, AUTOSOMAL RECESSIVE, SEVERE INFANTILE; Nemaline myopathy 5, Amish type. Identifiers: Orphanet 98902, MedGen C1854380, MONDO:0011539, OMIM 605355.

Submission:

Labcorp Genetics (formerly Invitae), Labcorp
Classification: Pathogenic for Nemaline myopathy 5. Last evaluated: 2023-09-21. Review status: criteria provided, single submitter. Criteria: Invitae Variant Classification Sherloc (09022015). Collection method: clinical testing. Allele origin: unknown.
Comment: This variant is a gross deletion of the genomic region encompassing exon(s) 7-14 of the TNNT1 gene, which includes the termination codon. This deletion extends beyond the assayed region for this gene and therefore may encompass additional genes. While this deletion is not anticipated to lead to nonsense mediated decay, it is expected to alter mRNA translation or result in a truncated protein product. This variant has not been reported in the literature in individuals affected with TNNT1-related conditions. This variant disrupts a region of the TNNT1 protein in which other variant(s) (deletion of exons 8-9) have been determined to be pathogenic (PMID: 29792937, 32994279, 34440373). This suggests that this is a clinically significant region of the protein, and that variants that disrupt it are likely to be disease-causing. For these reasons, this variant has been classified as Pathogenic.

Literature cited by the submitters: PubMed 29792937; PubMed 32994279; PubMed 34440373.

NC_000019.9:g.(?_55644283)_(55653308_?)del

Gene: TNNT1 (troponin T1, slow skeletal type; minus strand). Cytogenetic location: 19q13.42.
Variant type: Deletion.
Identifiers: ClinVar variation 3248447 (VCV003248447.1).